The following is an entry in ClinVar:

NM_004006.3(DMD):c.3016A>T (p.Met1006Leu)

Gene: DMD (dystrophin; minus strand). Cytogenetic location: Xp21.1.
Variant type: single nucleotide variant.
Coding change: c.3016A>T on transcript NM_004006.3 (MANE Select); coding-DNA position 3016, A replaced by T.
Protein change: p.Met1006Leu; replaces methionine 1006 with leucine.
Molecular consequence: missense variant.
Genome position (GRCh38, 1-based): chrX:32,468,644, T>A on the plus strand (A>T on the coding strand, the complement: DMD is on the minus strand). VCF-style: chrX-32468644-T-A. GRCh37 (hg19) VCF-style: chrX-32486761-T-A.
Other names: c.2992A>T, p.Met998Leu (NM_000109.4); c.3004A>T, p.Met1002Leu (NM_004009.3); c.2647A>T, p.Met883Leu (NM_004010.3); short protein forms M1006L, M1002L, M883L, M998L.
Identifiers: ClinVar variation 498339 (VCV000498339.8), dbSNP rs1557372536, ClinGen allele CA412667049.
Genomic context (GRCh38, chrX:32,468,644, plus strand): 5'-CAATTTCTTCAAATTCTGATTGATATTTCCGGCTAATTTCAGAGGGCGCTTTCTTCGACA[T>A]CTCTTTCACAGTGGTGCTGAGATAGTATAGGCCACTTTGTTGCTCTTGCAGAGAACTTTG-3'
Protein context (NP_003997.2, residues 996-1016): LYYLSTTVKE[Met1006Leu]SKKAPSEISR

ClinVar aggregate classification (germline): Uncertain significance. Review status: criteria provided, multiple submitters, no conflicts (2 of 4 stars). 2 submissions from 2 submitters: Uncertain significance (2). Last evaluated 2025-05-06.

Conditions:
Duchenne muscular dystrophy (DMD). Also called: MUSCULAR DYSTROPHY, PSEUDOHYPERTROPHIC PROGRESSIVE, DUCHENNE TYPE; Duchenne Muscular Dystrophy (DMD). Identifiers: Orphanet 98896, MedGen C0013264, MONDO:0010679, OMIM 310200.

Allele frequency attached by ClinVar (database versions not stated): gnomAD exomes below 0.00001.

Submissions (2):

Labcorp Genetics (formerly Invitae), Labcorp
Classification: Uncertain significance for Duchenne muscular dystrophy. Last evaluated: 2025-05-06. Review status: criteria provided, single submitter. Criteria: Invitae Variant Classification Sherloc (09022015). Collection method: clinical testing. Allele origin: germline.
Comment: This sequence change replaces methionine, which is neutral and non-polar, with leucine, which is neutral and non-polar, at codon 1006 of the DMD protein (p.Met1006Leu). This variant is not present in population databases (gnomAD no frequency). This variant has not been reported in the literature in individuals affected with DMD-related conditions. ClinVar contains an entry for this variant (Variation ID: 498339). Invitae Evidence Modeling of protein sequence and biophysical properties (such as structural, functional, and spatial information, amino acid conservation, physicochemical variation, residue mobility, and thermodynamic stability) indicates that this missense variant is not expected to disrupt DMD protein function with a negative predictive value of 95%. In summary, the available evidence is currently insufficient to determine the role of this variant in disease. Therefore, it has been classified as a Variant of Uncertain Significance.

Eurofins Ntd Llc (ga)
Classification: Uncertain significance. Last evaluated: 2016-12-14. Review status: criteria provided, single submitter. Criteria: EGL Classification Definitions 2015. Collection method: clinical testing. Allele origin: germline. Observed: 1 variant allele, 1 hemizygote.